The following is an entry in ClinVar:

NM_001942.4(DSG1):c.2875G>T (p.Ala959Ser)

Genes: DSG1 (desmoglein 1; plus strand), DSG1-AS1 (DSG1 antisense RNA 1; minus strand). Cytogenetic location: 18q12.1.
Variant type: single nucleotide variant.
Coding change: c.2875G>T on transcript NM_001942.4 (MANE Select); coding-DNA position 2875, G replaced by T.
Protein change: p.Ala959Ser; replaces alanine 959 with serine.
Molecular consequence: missense variant.
Genome position (GRCh38, 1-based): chr18:31,355,071, G>T. VCF-style: chr18-31355071-G-T. GRCh37 (hg19) VCF-style: chr18-28935034-G-T.
Other names: short protein forms A959S.
Identifiers: ClinVar variation 1005529 (VCV001005529.8), dbSNP rs775638399, ClinGen allele CA8926464.

ClinVar aggregate classification (germline): Uncertain significance (1 of 4 stars; one submission).

Allele frequency attached by ClinVar (database versions not stated): gnomAD exomes below 0.00001; TOPMed below 0.00001; ExAC 0.00001.
gnomAD v4.1: 1 of 1,614,196 alleles (0.000062%); highest among the groups gnomAD compares: Admixed American, 0.0017%; no homozygotes.

Submission:

Labcorp Genetics (formerly Invitae), Labcorp
Classification: Uncertain significance. Last evaluated: 2023-09-21. Review status: criteria provided, single submitter. Criteria: Invitae Variant Classification Sherloc (09022015). Collection method: clinical testing. Allele origin: germline.
Comment: This sequence change replaces alanine, which is neutral and non-polar, with serine, which is neutral and polar, at codon 959 of the DSG1 protein (p.Ala959Ser). This variant is present in population databases (rs775638399, gnomAD 0.003%). This variant has not been reported in the literature in individuals affected with DSG1-related conditions. ClinVar contains an entry for this variant (Variation ID: 1005529). Algorithms developed to predict the effect of missense changes on protein structure and function output the following: SIFT: "Not Available"; PolyPhen-2: "Benign"; Align-GVGD: "Not Available". The serine amino acid residue is found in multiple mammalian species, which suggests that this missense change does not adversely affect protein function. In summary, the available evidence is currently insufficient to determine the role of this variant in disease. Therefore, it has been classified as a Variant of Uncertain Significance.